The following is an entry in ClinVar:

ClinVar aggregate classification (germline): Uncertain significance (1 of 4 stars; one submission).

Submission:

Labcorp Genetics (formerly Invitae), Labcorp
Classification: Uncertain significance. Last evaluated: 2022-05-27. Review status: criteria provided, single submitter. Criteria: Invitae Variant Classification Sherloc (09022015). Collection method: clinical testing. Allele origin: germline.
Comment: Experimental studies and prediction algorithms are not available or were not evaluated, and the functional significance of this variant is currently unknown. This variant has not been reported in the literature in individuals affected with RXYLT1-related conditions. This variant is not present in population databases (gnomAD no frequency). This sequence change creates a premature translational stop signal (p.Trp417*) in the RXYLT1 gene. While this is not anticipated to result in nonsense mediated decay, it is expected to disrupt the last 27 amino acid(s) of the RXYLT1 protein. In summary, the available evidence is currently insufficient to determine the role of this variant in disease. Therefore, it has been classified as a Variant of Uncertain Significance.

NM_014254.3(RXYLT1):c.1251G>A (p.Trp417Ter)

Genes: RXYLT1 (ribitol xylosyltransferase 1; plus strand), RXYLT1-AS1 (RXYLT1 antisense RNA 1; minus strand). Cytogenetic location: 12q14.2.
Variant type: single nucleotide variant.
Coding change: c.1251G>A on transcript NM_014254.3 (MANE Select); coding-DNA position 1251, G replaced by A.
Protein change: p.Trp417Ter; replaces tryptophan 417 with a stop codon.
Molecular consequence: nonsense.
Genome position (GRCh38, 1-based): chr12:63,809,011, G>A. VCF-style: chr12-63809011-G-A. GRCh37 (hg19) VCF-style: chr12-64202791-G-A.
Other names: c.471G>A, p.Trp157Ter (NM_001278237.2); short protein forms W157*, W417*.
Identifiers: ClinVar variation 1471368 (VCV001471368.6), dbSNP rs2136235392, ClinGen allele CA385660517.
Genomic context (GRCh38, chr12:63,809,011, plus strand): 5'-AAAAGAGAAAACTATAATTTTACAAGAAAAAATTGAAAGAAGAAAAATGTTACTTCAGTG[G>A]TATCAGCACTTCAAGACAGAGCTTAAAATGAAATTTACTAATATTTTAGAAAGCTCATTT-3'